The following is an entry in ClinVar:

NM_152443.3(RDH12):c.325G>C (p.Ala109Pro)

Genes: GPHN (gephyrin; plus strand), RDH12 (retinol dehydrogenase 12; plus strand). Cytogenetic location: 14q24.1.
Variant type: single nucleotide variant.
Coding change: c.325G>C on transcript NM_152443.3 (MANE Select); coding-DNA position 325, G replaced by C.
Protein change: p.Ala109Pro; replaces alanine 109 with proline.
Molecular consequence: missense variant.
Genome position (GRCh38, 1-based): chr14:67,725,236, G>C. VCF-style: chr14-67725236-G-C. GRCh37 (hg19) VCF-style: chr14-68191953-G-C.
Other names: short protein forms A109P.
Identifiers: ClinVar variation 803035 (VCV000803035.3), dbSNP rs1594865434, ClinGen allele CA390148856.
Genomic context (GRCh38, chr14:67,725,236, plus strand): 5'-AACTCCCAGGTGCTGGTGCGGAAATTGGACCTATCCGACACCAAATCTATCCGAGCCTTT[G>C]CTGAGGGCTTTCTGGCAGGTGAGGTCCTGATGGGTAGGTAGAAAAGCAGGAAATTGGGTA-3'
Protein context (NP_689656.2, residues 99-119): LSDTKSIRAF[Ala109Pro]EGFLAEEKQL

ClinVar aggregate classification (germline): Conflicting classifications of pathogenicity. Review status: criteria provided, conflicting classifications (1 of 4 stars). 3 submissions from 3 submitters: Likely pathogenic (1); Uncertain significance (2). Last evaluated 2025-08-25.

Conditions:
Leber congenital amaurosis 13 (LCA13). Identifiers: MedGen C2675186, MONDO:0012990, OMIM 612712.

Allele frequency attached by ClinVar (database versions not stated): gnomAD exomes below 0.00001.
gnomAD v4.1: 2 of 1,613,522 alleles (0.00012%); highest among the groups gnomAD compares: Non-Finnish European, 0.00017%; no homozygotes.

Submissions (3):

Labcorp Genetics (formerly Invitae), Labcorp
Classification: Uncertain significance for Leber congenital amaurosis 13. Last evaluated: 2025-08-25. Review status: criteria provided, single submitter. Criteria: Invitae Variant Classification Sherloc (09022015). Collection method: clinical testing. Allele origin: germline.
Comment: This sequence change replaces alanine, which is neutral and non-polar, with proline, which is neutral and non-polar, at codon 109 of the RDH12 protein (p.Ala109Pro). This variant is not present in population databases (gnomAD no frequency). This missense change has been observed in individual(s) with clinical features of RDH12-related conditions (PMID: 30979730, 32865313, 33749171, 36460718, 38219857). ClinVar contains an entry for this variant (Variation ID: 803035). Invitae Evidence Modeling of protein sequence and biophysical properties (such as structural, functional, and spatial information, amino acid conservation, physicochemical variation, residue mobility, and thermodynamic stability) indicates that this missense variant is expected to disrupt RDH12 protein function with a positive predictive value of 80%. Experimental studies have shown that this missense change affects RDH12 function (PMID: 32865313). In summary, the available evidence is currently insufficient to determine the role of this variant in disease. Therefore, it has been classified as a Variant of Uncertain Significance.

Blueprint Genetics
Classification: Uncertain significance. Last evaluated: 2023-10-25. Review status: criteria provided, single submitter. Criteria: ACMG Guidelines, 2015. Collection method: clinical testing. Allele origin: germline.

Mendelics
Classification: Likely pathogenic for Leber congenital amaurosis 13. Last evaluated: 2019-05-28. Review status: criteria provided, single submitter. Criteria: Mendelics Assertion Criteria 2017. Collection method: clinical testing. Allele origin: unknown.

Literature cited by the submitters: PubMed 30979730 (cited by Labcorp Genetics (formerly Invitae), Labcorp); PubMed 32865313 (cited by Labcorp Genetics (formerly Invitae), Labcorp); PubMed 33749171 (cited by Labcorp Genetics (formerly Invitae), Labcorp); PubMed 36460718 (cited by Labcorp Genetics (formerly Invitae), Labcorp); PubMed 38219857 (cited by Labcorp Genetics (formerly Invitae), Labcorp).